The following is an entry in ClinVar:

ClinVar aggregate classification (germline): Uncertain significance (1 of 4 stars; one submission).

Allele frequency attached by ClinVar (database versions not stated): gnomAD exomes below 0.00001; ExAC 0.00001.
gnomAD v4.1: 6 of 1,607,952 alleles (0.00037%); highest among the groups gnomAD compares: Non-Finnish European, 0.00051%; no homozygotes.

Submission:

Ambry Genetics
Classification: Uncertain significance. Last evaluated: 2024-01-07. Review status: criteria provided, single submitter. Criteria: Ambry Variant Classification Scheme 2023. Collection method: clinical testing. Allele origin: germline.
Comment: The p.A498G variant (also known as c.1493C>G), located in coding exon 7 of the PALLD gene, results from a C to G substitution at nucleotide position 1493. The alanine at codon 498 is replaced by glycine, an amino acid with similar properties. This amino acid position is conserved. In addition, this alteration is predicted to be tolerated by in silico analysis. Since supporting evidence is limited at this time, the clinical significance of this alteration remains unclear.

NM_001166108.2(PALLD):c.1493C>G (p.Ala498Gly)

Gene: PALLD (palladin, cytoskeletal associated protein; plus strand). Cytogenetic location: 4q32.3.
Variant type: single nucleotide variant.
Coding change: c.1493C>G on transcript NM_001166108.2 (MANE Select); coding-DNA position 1493, C replaced by G.
Protein change: p.Ala498Gly; replaces alanine 498 with glycine.
Molecular consequence: missense variant.
Genome position (GRCh38, 1-based): chr4:168,691,284, C>G. VCF-style: chr4-168691284-C-G. GRCh37 (hg19) VCF-style: chr4-169612435-C-G.
Other names: c.347C>G, p.Ala116Gly (NM_001166109.2); c.1493C>G, p.Ala498Gly (NM_016081.4); short protein forms A116G, A498G.
Identifiers: ClinVar variation 1773827 (VCV001773827.2), dbSNP rs760963871, ClinGen allele CA3135635.
Genomic context (GRCh38, chr4:168,691,284, plus strand): 5'-ATTCTAATACTTTGTTCTAATTTATTTTTTTCATGTGGCAAACAGAACCTAGATCTACAG[C>G]TGAACCTGGTAAGAATATTTTTAGGGTTTTTTTTTTTGGTGGTGGGGGAGCAGATAATGT-3'
Protein context (NP_001159580.1, residues 488-508): RILQKKPRST[Ala498Gly]EPEEICTLVI